The following is an entry in ClinVar:

ClinVar aggregate classification (germline): Benign/Likely benign. Review status: criteria provided, multiple submitters, no conflicts (2 of 4 stars). 10 submissions from 10 submitters: Benign (7); Likely benign (1). 2 of the submissions do not count toward it. Last evaluated 2026-02-04.

Conditions:
Iron-refractory iron deficiency anemia (IRIDA). Also called: ANEMIA, HYPOCHROMIC MICROCYTIC, WITH DEFECT IN IRON METABOLISM; IRON-HANDLING DISORDER, HEREDITARY; PSEUDO-IRON-DEFICIENCY ANEMIA; IRIDA syndrome. Identifiers: Orphanet 209981, MedGen C0085576, MONDO:0008788, OMIM 206200. Disease mechanism: loss of function.
Microcytic anemia. Identifiers: MedGen C5194182, MONDO:0001245, HP:0001935. Disease mechanism: loss of function.

Allele frequency attached by ClinVar (database versions not stated): 1000 Genomes Project 0.60463; 1000 Genomes Project 30x 0.61446; gnomAD 0.63636 and 0.64686; TOPMed 0.63852; ESP Exome Variant Server 0.65862.
gnomAD v4.1: 919,800 of 1,613,526 alleles (57%); highest among the groups gnomAD compares: African/African-American, 85%; 267,184 homozygotes.

Submissions (10):

Labcorp Genetics (formerly Invitae), Labcorp
Classification: Benign. Last evaluated: 2026-02-04. Review status: criteria provided, single submitter. Criteria: Invitae Variant Classification Sherloc (09022015). Collection method: clinical testing. Allele origin: germline.

Mayo Clinic Laboratories, Mayo Clinic
Classification: Benign. Last evaluated: 2025-11-25. Review status: criteria provided, single submitter. Criteria: ACMG Guidelines, 2015. Collection method: clinical testing. Allele origin: germline. Observed: 668 variant alleles.

Blueprint Genetics
Classification: Likely benign. Last evaluated: 2024-11-28. Review status: criteria provided, single submitter. Criteria: ACMG Guidelines, 2015. Collection method: clinical testing. Allele origin: germline.

Genome-Nilou Lab
Classification: Benign for Iron-refractory iron deficiency anemia. Last evaluated: 2021-09-10. Review status: criteria provided, single submitter. Criteria: ACMG Guidelines, 2015. Collection method: clinical testing. Allele origin: germline. Affected: no.

GeneDx
Classification: Benign. Last evaluated: 2021-06-09. Review status: criteria provided, single submitter. Criteria: GeneDx Variant Classification Process June 2021. Collection method: clinical testing. Allele origin: germline. Affected: yes.
Comment: This variant is associated with the following publications: (PMID: 25312922, 22265928, 25601433, 23293981, 20738301, 24661031, 21873547, 23433094, 22885719, 21785125, 19820698, 23222517, 23144979, 19820699, 27346686, 28447549, 30963028, 31640930, 25557470)

Illumina Laboratory Services, Illumina
Classification: Benign for Iron-refractory iron deficiency anemia. Last evaluated: 2018-03-06. Review status: criteria provided, single submitter. Criteria: ICSL Variant Classification Criteria 13 December 2019. Collection method: clinical testing. Allele origin: germline.
Comment: This variant was observed in the ICSL laboratory as part of a predisposition screen in an ostensibly healthy population. It had not been previously curated by ICSL or reported in the Human Gene Mutation Database (HGMD: prior to June 1st, 2018), and was therefore a candidate for classification through an automated scoring system. Utilizing variant allele frequency, disease prevalence and penetrance estimates, and inheritance mode, an automated score was calculated to assess if this variant is too frequent to cause the disease. Based on the score and internal cut-off values, a variant classified as benign is not then subjected to further curation. The score for this variant resulted in a classification of benign for this disease.

Breakthrough Genomics
Classification: Benign. Review status: criteria provided, single submitter. Criteria: ACMG Guidelines, 2015. Collection method: not provided. Allele origin: germline. Inheritance: Autosomal recessive inheritance. Affected: yes.

PreventionGenetics, part of Exact Sciences
Classification: Benign. Review status: criteria provided, single submitter. Criteria: ACMG Guidelines, 2015. Collection method: clinical testing. Allele origin: germline.

Diagnostic Laboratory, Department of Genetics, University Medical Center Groningen
Classification: Benign. Review status: no assertion criteria provided. Collection method: clinical testing. Allele origin: germline. Affected: yes. Study: VKGL Data-share Consensus. Not counted in ClinVar's aggregate classification.

Joint Genome Diagnostic Labs from Nijmegen and Maastricht, Radboudumc and MUMC+
Classification: Benign. Review status: no assertion criteria provided. Collection method: clinical testing. Allele origin: germline. Affected: yes. Study: VKGL Data-share Consensus. Not counted in ClinVar's aggregate classification.

NM_001374504.1(TMPRSS6):c.2180T>C (p.Val727Ala)

Gene: TMPRSS6 (transmembrane serine protease 6; minus strand). Cytogenetic location: 22q12.3.
Variant type: single nucleotide variant.
Coding change: c.2180T>C on transcript NM_001374504.1 (MANE Select); coding-DNA position 2180, T replaced by C.
Protein change: p.Val727Ala; replaces valine 727 with alanine.
Molecular consequence: missense variant.
Genome position (GRCh38, 1-based): chr22:37,066,896, A>G on the plus strand (T>C on the coding strand, the complement: TMPRSS6 is on the minus strand). VCF-style: chr22-37066896-A-G. GRCh37 (hg19) VCF-style: chr22-37462936-A-G.
Other names: c.2246T>C, p.Val749Ala (NM_001289000.2); c.2180T>C, p.Val727Ala (NM_001289001.2, NM_153609.4); short protein forms V736A, V727A, V749A.
Identifiers: ClinVar variation 262725 (VCV000262725.24), dbSNP rs855791, ClinGen allele CA10215307.
Genomic context (GRCh38, chr22:37,066,896, plus strand): 5'-TCCTTCTTGCCCTTGCGGTAGCCGGCACACAGCATGCGTGGCGTCACCTGGTAGCGATAG[A>G]CCTCGCTGCACAGGTCCTGTGGGATCAACTGCACATCCACTTTCTGCAGAGCGTTGCTGA-3'
Protein context (NP_001361433.1, residues 717-737): QLIPQDLCSE[Val727Ala]YRYQVTPRML